The following is an entry in ClinVar:

ClinVar aggregate classification (germline): Uncertain significance. Review status: criteria provided, multiple submitters, no conflicts (2 of 4 stars). 3 submissions from 3 submitters: Uncertain significance (3). Last evaluated 2025-09-20.

Conditions:
Cardiomyopathy (CMYO). Also called: Cardiomyopathies. Identifiers: Orphanet 167848, MedGen C0878544, MONDO:0004994, HP:0001638. Inheritance: Various modes of inheritance.
Arrhythmogenic right ventricular dysplasia 8 (ARVD8). Also called: Arrhythmogenic Right Ventricular Dysplasia/Cardiomyopathy 8; ARRHYTHMOGENIC RIGHT VENTRICULAR DYSPLASIA, FAMILIAL, 8; ARRHYTHMOGENIC RIGHT VENTRICULAR CARDIOMYOPATHY 8. Identifiers: MedGen C1843896, MONDO:0011831, OMIM 607450.
Arrhythmogenic cardiomyopathy with wooly hair and keratoderma. Also called: Carvajal syndrome; Dilated cardiomyopathy with woolly hair and keratoderma; Arrhythmogenic cardiomyopathy with woolly hair and keratoderma; PALMOPLANTAR KERATODERMA WITH LEFT VENTRICULAR CARDIOMYOPATHY AND WOOLLY HAIR. Identifiers: Orphanet 65282, MedGen C1854063, MONDO:0011581, OMIM 605676.

gnomAD v4.1: 4 of 1,613,940 alleles (0.00025%); highest among the groups gnomAD compares: Non-Finnish European, 0.00034%; no homozygotes.

Submissions (3):

Labcorp Genetics (formerly Invitae), Labcorp
Classification: Uncertain significance for Arrhythmogenic cardiomyopathy with wooly hair and keratoderma; Arrhythmogenic right ventricular dysplasia 8. Last evaluated: 2025-09-20. Review status: criteria provided, single submitter. Criteria: Invitae Variant Classification Sherloc (09022015). Collection method: clinical testing. Allele origin: germline.
Comment: This sequence change replaces arginine, which is basic and polar, with cysteine, which is neutral and slightly polar, at codon 1915 of the DSP protein (p.Arg1915Cys). This variant is not present in population databases (gnomAD no frequency). This variant has not been reported in the literature in individuals affected with DSP-related conditions. ClinVar contains an entry for this variant (Variation ID: 465899). An algorithm developed to predict the effect of missense changes on protein structure and function (PolyPhen-2) suggests that this variant is likely to be tolerated. In summary, the available evidence is currently insufficient to determine the role of this variant in disease. Therefore, it has been classified as a Variant of Uncertain Significance.

Color Diagnostics, LLC DBA Color Health
Classification: Uncertain significance for Cardiomyopathy. Last evaluated: 2024-03-06. Review status: criteria provided, single submitter. Criteria: ACMG Guidelines, 2015. Collection method: clinical testing. Allele origin: germline.
Comment: This missense variant replaces arginine with cysteine at codon 1915 of the DSP protein. Computational prediction suggests that this variant may not impact protein structure and function (internally defined REVEL score threshold <= 0.5, PMID: 27666373). To our knowledge, functional studies have not been reported for this variant. This variant has not been reported in individuals affected with cardiovascular disorders in the literature. This variant has not been identified in the general population by the Genome Aggregation Database (gnomAD). The available evidence is insufficient to determine the role of this variant in disease conclusively. Therefore, this variant is classified as a Variant of Uncertain Significance.

Blueprint Genetics
Classification: Uncertain significance. Last evaluated: 2023-01-11. Review status: criteria provided, single submitter. Criteria: ACMG Guidelines, 2015. Collection method: clinical testing. Allele origin: germline.

NM_004415.4(DSP):c.5743C>T (p.Arg1915Cys)

Gene: DSP (desmoplakin; plus strand). Cytogenetic location: 6p24.3.
Variant type: single nucleotide variant.
Coding change: c.5743C>T on transcript NM_004415.4 (MANE Select); coding-DNA position 5743, C replaced by T.
Protein change: p.Arg1915Cys; replaces arginine 1915 with cysteine.
Molecular consequence: missense variant.
Genome position (GRCh38, 1-based): chr6:7,583,005, C>T. VCF-style: chr6-7583005-C-T. GRCh37 (hg19) VCF-style: chr6-7583238-C-T.
Other names: c.5743C>T (LRG_423t1); c.3946C>T, p.Arg1316Cys (NM_001008844.3); c.4414C>T, p.Arg1472Cys (NM_001319034.2); short protein forms R1915C, R1472C, R1316C.
Identifiers: ClinVar variation 465899 (VCV000465899.14), dbSNP rs1461028383, ClinGen allele CA362689320.
Genomic context (GRCh38, chr6:7,583,005, plus strand): 5'-CTTAGGAGTGAGATCGAAAGACTCCAAGCAGAGATCAAGAGAATTGAAGAGAGGTGCAGG[C>T]GTAAGCTGGAGGATTCTACCAGGGAGACACAGTCACAGTTAGAAACAGAACGCTCCCGAT-3'
Protein context (NP_004406.2, residues 1905-1925): EIKRIEERCR[Arg1915Cys]KLEDSTRETQ